The following is an entry in ClinVar:

ClinVar aggregate classification (germline): Uncertain significance (1 of 4 stars; one submission).

Conditions:
Type A2 brachydactyly (BDA2). Also called: MOHR-WRIEDT TYPE BRACHYDACTYLY; Brachymesophalangy type 2; BRACHYMESOPHALANGY II. Identifiers: Orphanet 93396, MedGen C1832702, MONDO:0007216, OMIM 112600, HP:0009372.
Acromesomelic dysplasia 3 (AMD3). Also called: Acromesomelic dysplasia, Demirhan type; CHONDRODYSPLASIA, ACROMESOMELIC, WITH OR WITHOUT GENITAL ANOMALIES. Identifiers: MedGen C4225404, MONDO:0012274, OMIM 609441.

gnomAD v4.1: 22 of 1,613,512 alleles (0.0014%); highest among the groups gnomAD compares: South Asian, 0.0033%; no homozygotes.

Submission:

Labcorp Genetics (formerly Invitae), Labcorp
Classification: Uncertain significance for Type A2 brachydactyly; Acromesomelic dysplasia 3. Last evaluated: 2024-11-19. Review status: criteria provided, single submitter. Criteria: Invitae Variant Classification Sherloc (09022015). Collection method: clinical testing. Allele origin: germline.
Comment: This sequence change replaces threonine, which is neutral and polar, with arginine, which is basic and polar, at codon 97 of the BMPR1B protein (p.Thr97Arg). This variant is present in population databases (rs151289886, gnomAD 0.0009%). This variant has not been reported in the literature in individuals affected with BMPR1B-related conditions. Invitae Evidence Modeling of protein sequence and biophysical properties (such as structural, functional, and spatial information, amino acid conservation, physicochemical variation, residue mobility, and thermodynamic stability) indicates that this missense variant is not expected to disrupt BMPR1B protein function with a negative predictive value of 95%. In summary, the available evidence is currently insufficient to determine the role of this variant in disease. Therefore, it has been classified as a Variant of Uncertain Significance.

NM_001203.3(BMPR1B):c.290C>G (p.Thr97Arg)

Gene: BMPR1B (bone morphogenetic protein receptor type 1B; plus strand). Cytogenetic location: 4q22.3.
Variant type: single nucleotide variant.
Coding change: c.290C>G on transcript NM_001203.3 (MANE Select); coding-DNA position 290, C replaced by G.
Protein change: p.Thr97Arg; replaces threonine 97 with arginine.
Molecular consequence: missense variant.
Genome position (GRCh38, 1-based): chr4:95,115,728, C>G. VCF-style: chr4-95115728-C-G. GRCh37 (hg19) VCF-style: chr4-96036879-C-G.
Other names: c.290C>G, p.Thr97Arg (NM_001256792.2, NM_001256794.1); c.380C>G, p.Thr127Arg (NM_001256793.2); short protein forms T127R, T97R.
Identifiers: ClinVar variation 3749442 (VCV003749442.2).